The following is an entry in ClinVar:

NM_007294.4(BRCA1):c.4575_4585del (p.Gln1525fs)

Gene: BRCA1 (BRCA1 DNA repair associated; minus strand). Cytogenetic location: 17q21.31.
Variant type: Deletion.
Coding change: c.4575_4585del on transcript NM_007294.4 (MANE Select); coding-DNA positions 4575 to 4585, 11 bases deleted (AGAGGAGCTCA).
Protein change: p.Gln1525fs; shifts the reading frame from glutamine 1525.
Molecular consequence: frameshift variant. On other transcripts: non-coding transcript variant (1).
Genome position (GRCh38, 1-based): chr17:43,074,421-43,074,431, TGAGCTCCTCT deleted on the plus strand (AGAGGAGCTCA on the coding strand, the reverse complement: BRCA1 is on the minus strand); deleting any 11 consecutive bases within chr17:43,074,421-43,074,435 gives the same sequence; the c. name uses the placement nearest the transcript's 3' end. VCF-style (leftmost placement, unchanged base first): chr17-43074420-ATGAGCTCCTCT-A. GRCh37 (hg19) VCF-style: chr17-41226437-ATGAGCTCCTCT-A.
Other names: c.4575_4585delAGAGGAGCTCA (NM_007294.3); c.4430_4440delCTCAAGAGGAG, p.Gln1478Hisfs (NM_001407730.1, NM_001407731.1, NM_001407942.1 and 12 more transcripts); c.4427_4437delCTCAAGAGGAG, p.Gln1477Hisfs (NM_001407732.1, NM_001407733.1, NM_001407734.1 and 21 more transcripts); c.4424_4434delCTCAAGAGGAG, p.Gln1476Hisfs (NM_001407838.1, NM_001407839.1, NM_001407841.1 and 12 more transcripts); c.4571_4581delCTCAAGAGGAG, p.Gln1525Hisfs (NM_001407854.1, NM_001407593.1, NM_001407594.1 and 8 more transcripts); c.4568_4578delCTCAAGAGGAG, p.Gln1524Hisfs (NM_001407858.1, NM_001407859.1, NM_001407860.1 and 17 more transcripts); c.4565_4575delCTCAAGAGGAG, p.Gln1523Hisfs (NM_001407861.1, NM_001407627.1, NM_001407628.1 and 14 more transcripts); c.4370_4380delCTCAAGAGGAG, p.Gln1458Hisfs (NM_001407862.1); and 72 more; short protein forms Q1546fs, Q1478fs, Q1525fs, Q421fs.
Identifiers: ClinVar variation 55230 (VCV000055230.12), dbSNP rs397509184, ClinGen allele CA002910.

ClinVar aggregate classification (germline): Pathogenic. Review status: reviewed by expert panel (3 of 4 stars). 5 submissions from 5 submitters: Pathogenic (1). 4 of the submissions do not count toward it. Last evaluated 2016-09-08.

Conditions:
Hereditary breast ovarian cancer syndrome. Also called: BRCA1- and BRCA2-Associated Hereditary Breast and Ovarian Cancer; Hereditary breast and ovarian cancer syndrome; Hereditary breast and ovarian cancer syndrome (HBOC); Breast and ovarian cancer; Hereditary breast and/or ovarian cancer syndrome; Hereditary breast and ovarian cancer. Identifiers: Orphanet 145, MedGen C0677776, MeSH D061325, MONDO:0003582. Disease mechanism: loss of function.
Breast-ovarian cancer, familial, susceptibility to, 1 (BROVCA1). Also called: BRCA1 Hereditary Breast and Ovarian Cancer; OVARIAN CANCER, SUSCEPTIBILITY TO. Identifiers: Orphanet 145, MedGen C2676676, MONDO:0011450, OMIM 604370. Disease mechanism: loss of function.

Submissions (5):

Evidence-based Network for the Interpretation of Germline Mutant Alleles (ENIGMA)
Classification: Pathogenic for Breast-ovarian cancer, familial, susceptibility to, 1. Last evaluated: 2016-09-08. Review status: reviewed by expert panel. Criteria: ENIGMA BRCA1/2 Classification Criteria (2015). Collection method: curation. Allele origin: germline.
Comment: Variant allele predicted to encode a truncated non-functional protein.

Labcorp Genetics (formerly Invitae), Labcorp
Classification: Pathogenic for Hereditary breast ovarian cancer syndrome. Last evaluated: 2023-01-18. Review status: criteria provided, single submitter. Criteria: Invitae Variant Classification Sherloc (09022015). Collection method: clinical testing. Allele origin: germline. Not counted in ClinVar's aggregate classification.
Comment: This premature translational stop signal has been observed in individual(s) with breast and/or ovarian cancer (PMID: 15026808). This variant is not present in population databases (gnomAD no frequency). This sequence change creates a premature translational stop signal (p.Gln1525Hisfs*2) in the BRCA1 gene. It is expected to result in an absent or disrupted protein product. Loss-of-function variants in BRCA1 are known to be pathogenic (PMID: 20104584). This variant is also known as 4694del11. For these reasons, this variant has been classified as Pathogenic. Algorithms developed to predict the effect of sequence changes on RNA splicing suggest that this variant may create or strengthen a splice site. ClinVar contains an entry for this variant (Variation ID: 55230).

Baylor Genetics
Classification: Pathogenic for Breast-ovarian cancer, familial, susceptibility to, 1. Last evaluated: 2022-03-24. Review status: criteria provided, single submitter. Criteria: ACMG Guidelines, 2015. Collection method: clinical testing. Allele origin: unknown. Not counted in ClinVar's aggregate classification.

Consortium of Investigators of Modifiers of BRCA1/2 (CIMBA), c/o University of Cambridge
Classification: Pathogenic for Breast-ovarian cancer, familial, susceptibility to, 1. Last evaluated: 2015-10-02. Review status: criteria provided, single submitter. Criteria: CIMBA Mutation Classification guidelines May 2016. Collection method: clinical testing. Allele origin: germline. Not counted in ClinVar's aggregate classification.

Research Molecular Genetics Laboratory, Women's College Hospital, University of Toronto
Classification: Pathogenic for Hereditary breast ovarian cancer syndrome. Last evaluated: 2014-01-31. Review status: no assertion criteria provided. Collection method: research. Allele origin: germline. Affected: yes. Study: The Canadian Open Genetics Repository (COGR). Not counted in ClinVar's aggregate classification.

Literature cited by the submitters: PubMed 15026808 (cited by Labcorp Genetics (formerly Invitae), Labcorp); PubMed 20104584 (cited by Labcorp Genetics (formerly Invitae), Labcorp).